The following is an entry in ClinVar:

ClinVar aggregate classification (germline): Pathogenic. Review status: criteria provided, multiple submitters, no conflicts (2 of 4 stars). 2 submissions from 2 submitters: Pathogenic (2). Last evaluated 2026-01-26.

Conditions:
Polycystic kidney disease, adult type (PKD1). Also called: Polycystic Kidney Disease 1, Autosomal Dominant; Polycystic kidney disease 1; Polycystic kidney disease 1, severe; Polycystic Kidney, Autosomal Dominant; POLYCYSTIC KIDNEY DISEASE, ADULT, TYPE I; POLYCYSTIC KIDNEY DISEASE 1 WITH OR WITHOUT POLYCYSTIC LIVER DISEASE. Identifiers: MedGen C3149841, MONDO:0008263, OMIM 173900.

Submissions (2):

Medical and Scientific Branch, Hong Kong Genome Institute
Classification: Pathogenic for Polycystic kidney disease, adult type. Last evaluated: 2026-01-26. Review status: criteria provided, single submitter. Criteria: ACMG Guidelines, 2015. Collection method: clinical testing. Allele origin: maternal. Affected: yes.

Juno Genomics, Hangzhou Juno Genomics, Inc
Classification: Pathogenic for Polycystic kidney disease, adult type. Review status: criteria provided, single submitter. Criteria: ACMG Guidelines, 2015. Collection method: clinical testing. Allele origin: germline.
Comment: Null variant in a gene where loss of function (LOF) is a known mechanism of disease.;Absent from controls (or at extremely low frequency if recessive) in Genome Aggregation Database.;Patient's phenotype or family history is highly specific for a disease with a single genetic etiology.

NM_001009944.3(PKD1):c.10219_10220del (p.Leu3408fs)

Gene: PKD1 (polycystin 1, transient receptor potential channel interacting; minus strand). Cytogenetic location: 16p13.3.
Variant type: Microsatellite.
Coding change: c.10219_10220del on transcript NM_001009944.3 (MANE Select); coding-DNA positions 10219 to 10220, 2 bases deleted (AG; older notation c.10219_10220delAG).
Protein change: p.Leu3408fs; shifts the reading frame from leucine 3408.
Molecular consequence: frameshift variant.
Genome position (GRCh38, 1-based): chr16:2,097,728-2,097,729, CT deleted on the plus strand (AG on the coding strand, the reverse complement: PKD1 is on the minus strand); deleting any 2 consecutive bases within chr16:2,097,728-2,097,731 gives the same sequence; the c. name uses the placement nearest the transcript's 3' end. VCF-style (leftmost placement, unchanged base first): chr16-2097727-CCT-C. GRCh37 (hg19) VCF-style: chr16-2147728-CCT-C.
Other names: c.10216_10217del, p.Leu3407fs (NM_000296.4); short protein forms L3407fs, L3408fs.
Identifiers: ClinVar variation 4755552 (VCV004755552.3).